The following is an entry in ClinVar:

NM_016599.5(MYOZ2):c.238C>A (p.Gln80Lys)

Gene: MYOZ2 (myozenin 2; plus strand). Cytogenetic location: 4q26.
Variant type: single nucleotide variant.
Coding change: c.238C>A on transcript NM_016599.5 (MANE Select); coding-DNA position 238, C replaced by A.
Protein change: p.Gln80Lys; replaces glutamine 80 with lysine.
Molecular consequence: missense variant.
Genome position (GRCh38, 1-based): chr4:119,151,033, C>A. VCF-style: chr4-119151033-C-A. GRCh37 (hg19) VCF-style: chr4-120072188-C-A.
Other names: short protein forms Q80K.
Identifiers: ClinVar variation 1790536 (VCV001790536.2), dbSNP rs1475725989, ClinGen allele CA358203745.

ClinVar aggregate classification (germline): Uncertain significance (1 of 4 stars; one submission).

Conditions:
Cardiovascular phenotype. Identifiers: MedGen CN230736.

Allele frequency attached by ClinVar (database versions not stated): TOPMed below 0.00001; gnomAD exomes 0.00001.
gnomAD v4.1: 19 of 1,610,112 alleles (0.0012%); highest among the groups gnomAD compares: Non-Finnish European, 0.0015%; no homozygotes.

Submission:

Ambry Genetics
Classification: Uncertain significance for Cardiovascular phenotype. Last evaluated: 2019-09-26. Review status: criteria provided, single submitter. Criteria: Ambry Variant Classification Scheme 2023. Collection method: clinical testing. Allele origin: germline.
Comment: The p.Q80K variant (also known as c.238C>A), located in coding exon 2 of the MYOZ2 gene, results from a C to A substitution at nucleotide position 238. The glutamine at codon 80 is replaced by lysine, an amino acid with similar properties. This amino acid position is well conserved in available vertebrate species. In addition, this alteration is predicted to be tolerated by in silico analysis. Since supporting evidence is limited at this time, the clinical significance of this alteration remains unclear.